The following is an entry in ClinVar:

ClinVar aggregate classification (germline): Uncertain significance (1 of 4 stars; one submission).

Conditions:
Proline dehydrogenase deficiency (HYRPRO1). Also called: Hyperprolinemia type 1; PROLINE OXIDASE DEFICIENCY. Identifiers: Orphanet 419, MedGen C0268529, MONDO:0009400, OMIM 239500.

Submission:

Labcorp Genetics (formerly Invitae), Labcorp
Classification: Uncertain significance for Proline dehydrogenase deficiency. Last evaluated: 2022-04-11. Review status: criteria provided, single submitter. Criteria: Invitae Variant Classification Sherloc (09022015). Collection method: clinical testing. Allele origin: germline.
Comment: This variant is not present in population databases (gnomAD no frequency). In summary, the available evidence is currently insufficient to determine the role of this variant in disease. Therefore, it has been classified as a Variant of Uncertain Significance. Algorithms developed to predict the effect of missense changes on protein structure and function (SIFT, PolyPhen-2, Align-GVGD) all suggest that this variant is likely to be tolerated. This variant has not been reported in the literature in individuals affected with PRODH-related conditions. This sequence change replaces proline, which is neutral and non-polar, with serine, which is neutral and polar, at codon 51 of the PRODH protein (p.Pro51Ser).

NM_016335.6(PRODH):c.151C>T (p.Pro51Ser)

Gene: PRODH (proline dehydrogenase 1; minus strand). Cytogenetic location: 22q11.21.
Variant type: single nucleotide variant.
Coding change: c.151C>T on transcript NM_016335.6 (MANE Select); coding-DNA position 151, C replaced by T.
Protein change: p.Pro51Ser; replaces proline 51 with serine.
Molecular consequence: missense variant. On other transcripts: intron variant (2).
Genome position (GRCh38, 1-based): chr22:18,936,137, G>A on the plus strand (C>T on the coding strand, the complement: PRODH is on the minus strand). VCF-style: chr22-18936137-G-A. GRCh37 (hg19) VCF-style: chr22-18923650-G-A.
Other names: c.-52+253C>T (NM_001195226.2); c.-52+33C>T (NM_001368250.2); short protein forms P51S.
Identifiers: ClinVar variation 2124727 (VCV002124727.4), dbSNP rs2517463353, ClinGen allele CA410654017.